The following is an entry in ClinVar:

ClinVar aggregate classification (germline): Benign/Likely benign. Review status: criteria provided, multiple submitters, no conflicts (2 of 4 stars). 2 submissions from 2 submitters: Benign (1); Likely benign (1). Last evaluated 2026-01-31.

Conditions:
RAI1-related disorder. Also called: RAI1-related condition.
Deafness. Identifiers: MedGen C0011053.
Smith-Magenis syndrome (SMS). Also called: CHROMOSOME 17p11.2 DELETION SYNDROME. Identifiers: Orphanet 819, MedGen C0795864, MONDO:0008434, OMIM 182290.
PMP22-RAI1 contiguous gene duplication syndrome. Also called: Yuan-Harel-Lupski syndrome. Identifiers: Orphanet 477817, MedGen C4225255, MONDO:0014723, OMIM 616652.

Allele frequency attached by ClinVar (database versions not stated): ExAC 0.00003; gnomAD 0.00004; gnomAD exomes 0.00005; TOPMed 0.00006.
gnomAD v4.1: 72 of 1,613,586 alleles (0.0045%); highest among the groups gnomAD compares: Admixed American, 0.0083%; no homozygotes.

Submissions (2):

Labcorp Genetics (formerly Invitae), Labcorp
Classification: Benign. Last evaluated: 2026-01-31. Review status: criteria provided, single submitter. Criteria: Invitae Variant Classification Sherloc (09022015). Collection method: clinical testing. Allele origin: germline.

PreventionGenetics, part of Exact Sciences
Classification: Likely benign for RAI1-related condition. Last evaluated: 2025-04-18. Review status: criteria provided, single submitter. Criteria: ACMG Guidelines, 2015. Collection method: clinical testing. Allele origin: germline.
Comment: This variant is classified as likely benign based on ACMG/AMP sequence variant interpretation guidelines (Richards et al. 2015 PMID: 25741868, with internal and published modifications).

NM_030665.4(RAI1):c.3407C>T (p.Thr1136Met)

Gene: RAI1 (retinoic acid induced 1; plus strand). Cytogenetic location: 17p11.2.
Variant type: single nucleotide variant.
Coding change: c.3407C>T on transcript NM_030665.4 (MANE Select); coding-DNA position 3407, C replaced by T.
Protein change: p.Thr1136Met; replaces threonine 1136 with methionine.
Molecular consequence: missense variant.
Genome position (GRCh38, 1-based): chr17:17,796,355, C>T. VCF-style: chr17-17796355-C-T. GRCh37 (hg19) VCF-style: chr17-17699669-C-T.
Other names: c.3407C>T (NM_030665.3); short protein forms T1136M.
Identifiers: ClinVar variation 2045960 (VCV002045960.10), dbSNP rs200422280, ClinGen allele CA8418715.
Genomic context (GRCh38, chr17:17,796,355, plus strand): 5'-CTGTGGCCTCCGACAGCAGCCCGATGGGCTCCAAGACCAAGGAGACAGACTCACCCAGCA[C>T]GCCTGGCAAGGACCAGCGCTCCATGATCCTTCGGTCACGCACCAAAACCCAGGAGATCTT-3'
Protein context (NP_109590.3, residues 1126-1146): SKTKETDSPS[Thr1136Met]PGKDQRSMIL